The following is an entry in ClinVar:

ClinVar aggregate classification (germline): Uncertain significance (1 of 4 stars; one submission).

Conditions:
Polyglandular autoimmune syndrome, type 1 (APS1). Also called: Autoimmune polyendocrinopathy syndrome , type I, with or without reversible metaphyseal dysplasia; PGA I; AUTOIMMUNE POLYENDOCRINE SYNDROME, TYPE I, WITH OR WITHOUT REVERSIBLE METAPHYSEAL DYSPLASIA; HYPOADRENOCORTICISM WITH HYPOPARATHYROIDISM AND SUPERFICIAL MONILIASIS; Whitaker syndrome; Autoimmune polyendocrine syndrome type 1. Identifiers: Orphanet 3453, MedGen C0085859, MONDO:0009411, OMIM 240300.

Allele frequency attached by ClinVar (database versions not stated): TOPMed below 0.00001.

Submission:

Labcorp Genetics (formerly Invitae), Labcorp
Classification: Uncertain significance for Polyglandular autoimmune syndrome, type 1. Last evaluated: 2021-08-27. Review status: criteria provided, single submitter. Criteria: Invitae Variant Classification Sherloc (09022015). Collection method: clinical testing. Allele origin: germline.
Comment: This sequence change replaces alanine with aspartic acid at codon 300 of the AIRE protein (p.Ala300Asp). The alanine residue is highly conserved and there is a moderate physicochemical difference between alanine and aspartic acid. This variant is not present in population databases (ExAC no frequency). This variant has not been reported in the literature in individuals affected with AIRE-related conditions. Algorithms developed to predict the effect of missense changes on protein structure and function (SIFT, PolyPhen-2, Align-GVGD) all suggest that this variant is likely to be disruptive. In summary, the available evidence is currently insufficient to determine the role of this variant in disease. Therefore, it has been classified as a Variant of Uncertain Significance.

NM_000383.4(AIRE):c.899C>A (p.Ala300Asp)

Gene: AIRE (autoimmune regulator; plus strand). Cytogenetic location: 21q22.3.
Variant type: single nucleotide variant.
Coding change: c.899C>A on transcript NM_000383.4 (MANE Select); coding-DNA position 899, C replaced by A.
Protein change: p.Ala300Asp; replaces alanine 300 with aspartic acid.
Molecular consequence: missense variant.
Genome position (GRCh38, 1-based): chr21:44,291,114, C>A. VCF-style: chr21-44291114-C-A. GRCh37 (hg19) VCF-style: chr21-45710997-C-A.
Other names: short protein forms A300D.
Identifiers: ClinVar variation 840027 (VCV000840027.7), dbSNP rs868756561, ClinGen allele CA410424834.
Genomic context (GRCh38, chr21:44,291,114, plus strand): 5'-ACCCCAGCCCAGTCTGCATGGGCGTCTCTTGCCTGTGCCAGAAGAATGAGGACGAGTGTG[C>A]CGTGTGTCGGGACGGCGGGGAGCTCATCTGCTGTGACGGCTGCCCTCGGGCCTTCCACCT-3'
Protein context (NP_000374.1, residues 290-310): QLHQKNEDEC[Ala300Asp]VCRDGGELIC